The following is an entry in ClinVar:

NM_018124.4(RFWD3):c.208C>A (p.Leu70Ile)

Gene: RFWD3 (ring finger and WD repeat domain 3; minus strand). Cytogenetic location: 16q23.1.
Variant type: single nucleotide variant.
Coding change: c.208C>A on transcript NM_018124.4 (MANE Select); coding-DNA position 208, C replaced by A.
Protein change: p.Leu70Ile; replaces leucine 70 with isoleucine.
Molecular consequence: missense variant. On other transcripts: 5 prime UTR variant (4), intron variant (1).
Genome position (GRCh38, 1-based): chr16:74,661,242, G>T on the plus strand (C>A on the coding strand, the complement: RFWD3 is on the minus strand). VCF-style: chr16-74661242-G-T. GRCh37 (hg19) VCF-style: chr16-74695140-G-T.
Other names: c.208C>A, p.Leu70Ile (NM_001370534.1, NM_001370535.1, NM_001370536.1); c.-801C>A (NM_001370537.1); c.-424C>A (NM_001370539.1, NM_001370541.1); c.-678C>A (NM_001370542.1); c.-556C>A (NM_001370543.1); c.-317+3382C>A (NM_001370540.1); short protein forms L70I.
Identifiers: ClinVar variation 2062682 (VCV002062682.4), dbSNP rs749763107, ClinGen allele CA8169622.

ClinVar aggregate classification (germline): Uncertain significance (1 of 4 stars; one submission).

gnomAD v4.1: 18 of 1,614,208 alleles (0.0011%); highest among the groups gnomAD compares: East Asian, 0.0022%; 2 homozygotes.

Submission:

Labcorp Genetics (formerly Invitae), Labcorp
Classification: Uncertain significance. Last evaluated: 2025-12-10. Review status: criteria provided, single submitter. Criteria: Invitae Variant Classification Sherloc (09022015). Collection method: clinical testing. Allele origin: germline.
Comment: This sequence change replaces leucine, which is neutral and non-polar, with isoleucine, which is neutral and non-polar, at codon 70 of the RFWD3 protein (p.Leu70Ile). This variant is present in population databases (rs749763107, gnomAD 0.006%). This variant has not been reported in the literature in individuals affected with RFWD3-related conditions. ClinVar contains an entry for this variant (Variation ID: 2062682). An algorithm developed to predict the effect of missense changes on protein structure and function (PolyPhen-2) suggests that this variant is likely to be tolerated. In summary, the available evidence is currently insufficient to determine the role of this variant in disease. Therefore, it has been classified as a Variant of Uncertain Significance.